The following is an entry in ClinVar:

NM_001375524.1(TRRAP):c.11215C>T (p.Arg3739Cys)

Gene: TRRAP (transformation/transcription domain associated protein; plus strand). Cytogenetic location: 7q22.1.
Variant type: single nucleotide variant.
Coding change: c.11215C>T on transcript NM_001375524.1 (MANE Select); coding-DNA position 11215, C replaced by T.
Protein change: p.Arg3739Cys; replaces arginine 3739 with cysteine.
Molecular consequence: missense variant.
Genome position (GRCh38, 1-based): chr7:99,011,413, C>T. VCF-style: chr7-99011413-C-T. GRCh37 (hg19) VCF-style: chr7-98609036-C-T.
Other names: c.11173C>T, p.Arg3725Cys (NM_001244580.2); c.11086C>T, p.Arg3696Cys (NM_003496.4); short protein forms R3696C, R3725C, R3739C.
Identifiers: ClinVar variation 2253863 (VCV002253863.2), dbSNP rs766653788, ClinGen allele CA4362112.

ClinVar aggregate classification (germline): Uncertain significance (1 of 4 stars; one submission).

Conditions:
Inborn genetic diseases. Identifiers: MedGen C0950123, MeSH D030342.

Allele frequency attached by ClinVar (database versions not stated): gnomAD exomes below 0.00001; ExAC 0.00001; gnomAD 0.00001; TOPMed 0.00001.
gnomAD v4.1: 3 of 1,614,162 alleles (0.00019%); highest among the groups gnomAD compares: African/African-American, 0.0027%; no homozygotes.

Submission:

Ambry Genetics
Classification: Uncertain significance for Inborn genetic diseases. Last evaluated: 2021-11-18. Review status: criteria provided, single submitter. Criteria: Ambry Variant Classification Scheme 2023. Collection method: clinical testing. Allele origin: germline.
Comment: The c.11173C>T (p.R3725C) alteration is located in exon 71 (coding exon 70) of the TRRAP gene. This alteration results from a C to T substitution at nucleotide position 11173, causing the arginine (R) at amino acid position 3725 to be replaced by a cysteine (C). This allele was reported in one heterozygous individual in population-based cohorts in the Genome Aggregation Database (gnomAD). This amino acid position is highly conserved in available vertebrate species. This missense alteration is located in a region that has a low rate of benign missense variation (Lek, 2016; Firth, 2009). This alteration is predicted to be deleterious by in silico analysis. Based on insufficient or conflicting evidence, the clinical significance of this alteration remains unclear.